The following is an entry in ClinVar:

NM_153252.5(BRWD3):c.269G>A (p.Ser90Asn)

Gene: BRWD3 (bromodomain and WD repeat domain containing 3; minus strand). Cytogenetic location: Xq21.1.
Variant type: single nucleotide variant.
Coding change: c.269G>A on transcript NM_153252.5 (MANE Select); coding-DNA position 269, G replaced by A.
Protein change: p.Ser90Asn; replaces serine 90 with asparagine.
Molecular consequence: missense variant.
Genome position (GRCh38, 1-based): chrX:80,793,684, C>T on the plus strand (G>A on the coding strand, the complement: BRWD3 is on the minus strand). VCF-style: chrX-80793684-C-T. GRCh37 (hg19) VCF-style: chrX-80049183-C-T.
Other names: short protein forms S90N.
Identifiers: ClinVar variation 1804278 (VCV001804278.1), dbSNP rs2521033311, ClinGen allele CA413613535.

ClinVar aggregate classification (germline): Uncertain significance (1 of 4 stars; one submission).

Submission:

GeneDx
Classification: Uncertain significance. Last evaluated: 2022-05-16. Review status: criteria provided, single submitter. Criteria: GeneDx Variant Classification Process June 2021. Collection method: clinical testing. Allele origin: germline. Affected: yes.
Comment: Not observed at significant frequency in large population cohorts (gnomAD); In silico analysis supports that this missense variant does not alter protein structure/function; Has not been previously published as pathogenic or benign to our knowledge